The following is an entry in ClinVar:

NM_000274.4(OAT):c.34G>T (p.Ala12Ser)

Gene: OAT (ornithine aminotransferase; minus strand). Cytogenetic location: 10q26.13.
Variant type: single nucleotide variant.
Coding change: c.34G>T on transcript NM_000274.4 (MANE Select); coding-DNA position 34, G replaced by T.
Protein change: p.Ala12Ser; replaces alanine 12 with serine.
Molecular consequence: missense variant. On other transcripts: intron variant (2).
Genome position (GRCh38, 1-based): chr10:124,412,138, C>A on the plus strand (G>T on the coding strand, the complement: OAT is on the minus strand). VCF-style: chr10-124412138-C-A. GRCh37 (hg19) VCF-style: chr10-126100707-C-A.
Other names: c.34G>T, p.Ala12Ser (NM_001322965.2, NM_001322966.2, NM_001322967.2 and 4 more transcripts); c.-215-3173G>T (NM_001171814.2); c.-515-3173G>T (NM_001322974.2); short protein forms A12S.
Identifiers: ClinVar variation 2086941 (VCV002086941.4), dbSNP rs2494525320, ClinGen allele CA378638310.

ClinVar aggregate classification (germline): Uncertain significance (1 of 4 stars; one submission).

Conditions:
Ornithine aminotransferase deficiency (GACR). Also called: HYPERORNITHINEMIA WITH GYRATE ATROPHY OF CHOROID AND RETINA; OAT DEFICIENCY; OKT DEFICIENCY; Ornithine ketoacid aminotransferase deficiency; Gyrate atrophy; Gyrate atrophy of choroid and retina. Identifiers: Orphanet 414, MedGen C0018425, MONDO:0009796, OMIM 258870.

Submission:

Labcorp Genetics (formerly Invitae), Labcorp
Classification: Uncertain significance for Ornithine aminotransferase deficiency. Last evaluated: 2022-06-04. Review status: criteria provided, single submitter. Criteria: Invitae Variant Classification Sherloc (09022015). Collection method: clinical testing. Allele origin: germline.
Comment: This sequence change replaces alanine, which is neutral and non-polar, with serine, which is neutral and polar, at codon 12 of the OAT protein (p.Ala12Ser). This variant is not present in population databases (gnomAD no frequency). This variant has not been reported in the literature in individuals affected with OAT-related conditions. Algorithms developed to predict the effect of missense changes on protein structure and function output the following: SIFT: "Tolerated"; PolyPhen-2: "Benign"; Align-GVGD: "Class C0". The serine amino acid residue is found in multiple mammalian species, which suggests that this missense change does not adversely affect protein function. In summary, the available evidence is currently insufficient to determine the role of this variant in disease. Therefore, it has been classified as a Variant of Uncertain Significance.